The following is an entry in ClinVar:

NM_004656.4(BAP1):c.1543A>C (p.Asn515His)

Gene: BAP1 (BRCA1 associated deubiquitinase 1; minus strand). Cytogenetic location: 3p21.1.
Variant type: single nucleotide variant.
Coding change: c.1543A>C on transcript NM_004656.4 (MANE Select); coding-DNA position 1543, A replaced by C.
Protein change: p.Asn515His; replaces asparagine 515 with histidine.
Molecular consequence: missense variant.
Genome position (GRCh38, 1-based): chr3:52,403,602, T>G on the plus strand (A>C on the coding strand, the complement: BAP1 is on the minus strand). VCF-style: chr3-52403602-T-G. GRCh37 (hg19) VCF-style: chr3-52437618-T-G.
Other names: c.1489A>C, p.Asn497His (NM_001410772.1); short protein forms N515H, N497H.
Identifiers: ClinVar variation 1774887 (VCV001774887.7), dbSNP rs765929006, ClinGen allele CA2436781.
Genomic context (GRCh38, chr3:52,403,602, plus strand): 5'-CCTCTCCAAAAAGCACCTTGGAGATGTGGGAGGTGACAGGGCTGGAGGGCCGCGTCGGGT[T>G]GGCTGAGCGGATAGGCGAGCGCAGTGGCGAGTTGAAAGCACTGCCGATCTCAGAGGCCGT-3'
Protein context (NP_004647.1, residues 505-525): SPLRSPIRSA[Asn515His]PTRPSSPVTS

ClinVar aggregate classification (germline): Uncertain significance. Review status: criteria provided, multiple submitters, no conflicts (2 of 4 stars). 2 submissions from 2 submitters: Uncertain significance (2). Last evaluated 2025-04-13.

Conditions:
Hereditary cancer-predisposing syndrome. Also called: Hereditary Cancer Syndrome; Hereditary neoplastic syndrome; Neoplastic Syndromes, Hereditary; Tumor predisposition. Identifiers: Orphanet 140162, MedGen C0027672, MeSH D009386, MONDO:0015356.
BAP1-related tumor predisposition syndrome (TPDS1). Also called: COMMON Syndrome; TUMOR PREDISPOSITION SYNDROME 1; BAP1 tumor predisposition syndrome; Tumor susceptibility linked to germline BAP1 mutations. Identifiers: Orphanet 289539, MedGen C3280492, MONDO:0013692, OMIM 614327.

Allele frequency attached by ClinVar (database versions not stated): ExAC 0.00001.

Submissions (2):

Labcorp Genetics (formerly Invitae), Labcorp
Classification: Uncertain significance for BAP1-related tumor predisposition syndrome. Last evaluated: 2025-04-13. Review status: criteria provided, single submitter. Criteria: Invitae Variant Classification Sherloc (09022015). Collection method: clinical testing. Allele origin: germline.
Comment: This sequence change replaces asparagine, which is neutral and polar, with histidine, which is basic and polar, at codon 515 of the BAP1 protein (p.Asn515His). This variant is present in population databases (rs765929006, gnomAD 0.006%). This variant has not been reported in the literature in individuals affected with BAP1-related conditions. ClinVar contains an entry for this variant (Variation ID: 1774887). Invitae Evidence Modeling of protein sequence and biophysical properties (such as structural, functional, and spatial information, amino acid conservation, physicochemical variation, residue mobility, and thermodynamic stability) indicates that this missense variant is not expected to disrupt BAP1 protein function with a negative predictive value of 80%. In summary, the available evidence is currently insufficient to determine the role of this variant in disease. Therefore, it has been classified as a Variant of Uncertain Significance.

Ambry Genetics
Classification: Uncertain significance for Hereditary cancer-predisposing syndrome. Last evaluated: 2022-05-07. Review status: criteria provided, single submitter. Criteria: Ambry Variant Classification Scheme 2023. Collection method: clinical testing. Allele origin: germline.
Comment: The p.N515H variant (also known as c.1543A>C), located in coding exon 13 of the BAP1 gene, results from an A to C substitution at nucleotide position 1543. The asparagine at codon 515 is replaced by histidine, an amino acid with similar properties. This amino acid position is conserved. In addition, this alteration is predicted to be tolerated by in silico analysis. Since supporting evidence is limited at this time, the clinical significance of this alteration remains unclear.